The following is an entry in ClinVar:

ClinVar aggregate classification (germline): Pathogenic/Likely pathogenic. Review status: criteria provided, multiple submitters, no conflicts (2 of 4 stars). 7 submissions from 6 submitters: Pathogenic (6); Likely pathogenic (1). Last evaluated 2025-04-21.

Conditions:
Leber congenital amaurosis (LCA). Also called: Leber's amaurosis. Identifiers: Orphanet 65, MedGen C0339527, MeSH D057130, MONDO:0018998.
Retinitis pigmentosa 12 (RP12). Also called: RP WITH OR WITHOUT PPRPE; RP WITH OR WITHOUT PRESERVED PARAARTERIOLE RETINAL PIGMENT EPITHELIUM; RETINITIS PIGMENTOSA WITH OR WITHOUT PARAARTERIOLAR PRESERVATION OF RETINAL PIGMENT EPITHELIUM. Identifiers: Orphanet 791, MedGen C1838647, MONDO:0010818, OMIM 600105.
Leber congenital amaurosis 8 (LCA8). Identifiers: Orphanet 65, MedGen C3151202, MONDO:0013453, OMIM 613835.
CRB1-related disorder. Also called: CRB1-related condition; CRB1-related disorders.

Allele frequency attached by ClinVar (database versions not stated): gnomAD exomes below 0.00001; TOPMed below 0.00001; ExAC 0.00001; gnomAD 0.00001.

Submissions (7):

Labcorp Genetics (formerly Invitae), Labcorp
Classification: Pathogenic for Leber congenital amaurosis 8; Retinitis pigmentosa 12. Last evaluated: 2025-04-21. Review status: criteria provided, single submitter. Criteria: Invitae Variant Classification Sherloc (09022015). Collection method: clinical testing. Allele origin: germline.
Comment: This sequence change creates a premature translational stop signal (p.Thr1347Leufs*5) in the CRB1 gene. While this is not anticipated to result in nonsense mediated decay, it is expected to disrupt the last 60 amino acid(s) of the CRB1 protein. This variant is not present in population databases (gnomAD no frequency). This premature translational stop signal has been observed in individuals with Leber congenital amaurosis (PMID: 30576320). ClinVar contains an entry for this variant (Variation ID: 587385). Algorithms developed to predict the effect of sequence changes on RNA splicing suggest that this variant may disrupt the consensus splice site. This variant disrupts a region of the CRB1 protein in which other variant(s) (p.Arg1390*) have been determined to be pathogenic (PMID: 2906847, 23379534). This suggests that this is a clinically significant region of the protein, and that variants that disrupt it are likely to be disease-causing. For these reasons, this variant has been classified as Pathogenic.

Natera, Inc.
Classification: Likely pathogenic for Leber congenital amaurosis. Last evaluated: 2025-03-06. Review status: criteria provided, single submitter. Criteria: Natera Variant Classification Schema (03/2026). Collection method: clinical testing. Allele origin: germline.
Comment: The c.4039del variant in CRB1 is a frameshift variant predicted to shift the reading frame beginning at codon 1347 and leads to a stop codon 5 codons downstream. This variant is expected to result in nonsense mediated decay, truncation, or a dysfunctional protein product. This variant is rare in the general population with a frequency below the threshold expected for the associated phenotype(s). This variant has been observed in one or more individuals affected with the associated recessive disease, as either homozygous or compound heterozygous with a second variant (PMID: 30576320, 38279252). Given the available evidence, this variant is classified as Likely Pathogenic.

Genome-Nilou Lab
Classification: Pathogenic for Leber congenital amaurosis 8. Last evaluated: 2023-04-11. Review status: criteria provided, single submitter. Criteria: ACMG Guidelines, 2015. Collection method: clinical testing. Allele origin: germline. Affected: no.

Genome-Nilou Lab
Classification: Pathogenic for Retinitis pigmentosa 12. Last evaluated: 2023-04-11. Review status: criteria provided, single submitter. Criteria: ACMG Guidelines, 2015. Collection method: clinical testing. Allele origin: germline. Affected: no.

Baylor Genetics
Classification: Pathogenic for Leber congenital amaurosis 8. Last evaluated: 2023-03-06. Review status: criteria provided, single submitter. Criteria: ACMG Guidelines, 2015. Collection method: clinical testing. Allele origin: unknown.

Blueprint Genetics
Classification: Pathogenic for CRB1-related disorders. Last evaluated: 2022-11-15. Review status: criteria provided, single submitter. Criteria: ACMG Guidelines, 2015. Collection method: clinical testing. Allele origin: germline. Affected: yes. Observed: 5 variant alleles.

Molecular Genetics Laboratory, Institute for Ophthalmic Research
Classification: Pathogenic for Leber congenital amaurosis 8. Last evaluated: 2018-08-21. Review status: criteria provided, single submitter. Criteria: ACMG Guidelines, 2015. Collection method: research. Allele origin: germline. Affected: yes.

Literature cited by the submitters: PubMed 30576320 (cited by 3 submitters); PubMed 2906847 (cited by Labcorp Genetics (formerly Invitae), Labcorp); PubMed 23379534 (cited by Labcorp Genetics (formerly Invitae), Labcorp); PubMed 38279252 (cited by Natera, Inc.).

NM_201253.3(CRB1):c.4039del (p.Thr1347fs)

Gene: CRB1 (crumbs cell polarity complex component 1; plus strand). Cytogenetic location: 1q31.3.
Variant type: Deletion.
Coding change: c.4039del on transcript NM_201253.3 (MANE Select); coding-DNA position 4039, one base deleted (A; older notation c.4039delA).
Protein change: p.Thr1347fs; shifts the reading frame from threonine 1347.
Molecular consequence: frameshift variant. On other transcripts: non-coding transcript variant (2).
Genome position (GRCh38, 1-based): chr1:197,477,697, A deleted. VCF-style (leftmost placement, unchanged base first): chr1-197477696-CA-C. GRCh37 (hg19) VCF-style: chr1-197446826-CA-C.
Other names: c.3703del, p.Thr1235fs (NM_001193640.2); c.3967del, p.Thr1323fs (NM_001257965.2); c.2431del, p.Thr811fs (NM_001257966.2); short protein forms T1235fs, T1323fs, T1347fs, T811fs.
Identifiers: ClinVar variation 587385 (VCV000587385.13), dbSNP rs745422941, ClinGen allele CA1312540.